The following is an entry in ClinVar:

ClinVar aggregate classification (germline): Uncertain significance. Review status: criteria provided, multiple submitters, no conflicts (2 of 4 stars). 2 submissions from 2 submitters: Uncertain significance (2). Last evaluated 2025-10-06.

Conditions:
Inborn genetic diseases. Identifiers: MedGen C0950123, MeSH D030342.

Allele frequency attached by ClinVar (database versions not stated): gnomAD exomes below 0.00001 and 0.00001; ExAC 0.00001.
gnomAD v4.1: 3 of 1,613,636 alleles (0.00019%); highest among the groups gnomAD compares: Non-Finnish European, 0.00025%; no homozygotes.

Submissions (2):

Ambry Genetics
Classification: Uncertain significance for Inborn genetic diseases. Last evaluated: 2025-10-06. Review status: criteria provided, single submitter. Criteria: Ambry Variant Classification Scheme 2023. Collection method: clinical testing. Allele origin: germline.

Labcorp Genetics (formerly Invitae), Labcorp
Classification: Uncertain significance. Last evaluated: 2025-02-17. Review status: criteria provided, single submitter. Criteria: Invitae Variant Classification Sherloc (09022015). Collection method: clinical testing. Allele origin: germline.
Comment: This sequence change replaces asparagine, which is neutral and polar, with histidine, which is basic and polar, at codon 98 of the ADAM9 protein (p.Asn98His). This variant is present in population databases (rs757052065, gnomAD 0.002%). This variant has not been reported in the literature in individuals affected with ADAM9-related conditions. ClinVar contains an entry for this variant (Variation ID: 839526). Invitae Evidence Modeling of protein sequence and biophysical properties (such as structural, functional, and spatial information, amino acid conservation, physicochemical variation, residue mobility, and thermodynamic stability) indicates that this missense variant is not expected to disrupt ADAM9 protein function with a negative predictive value of 80%. In summary, the available evidence is currently insufficient to determine the role of this variant in disease. Therefore, it has been classified as a Variant of Uncertain Significance.

NM_003816.3(ADAM9):c.292A>C (p.Asn98His)

Gene: ADAM9 (ADAM metallopeptidase domain 9; plus strand). Cytogenetic location: 8p11.22.
Variant type: single nucleotide variant.
Coding change: c.292A>C on transcript NM_003816.3 (MANE Select); coding-DNA position 292, A replaced by C.
Protein change: p.Asn98His; replaces asparagine 98 with histidine.
Molecular consequence: missense variant. On other transcripts: non-coding transcript variant (3).
Genome position (GRCh38, 1-based): chr8:39,014,002, A>C. VCF-style: chr8-39014002-A-C. GRCh37 (hg19) VCF-style: chr8-38871521-A-C.
Other names: short protein forms N98H.
Identifiers: ClinVar variation 839526 (VCV000839526.9), dbSNP rs757052065, ClinGen allele CA4721275.